The following is an entry in ClinVar:

ClinVar aggregate classification (germline): Uncertain significance (1 of 4 stars; one submission).

Conditions:
Telangiectasia, hereditary hemorrhagic, type 2 (HHT2). Also called: ACVRL1-Related Hereditary Hemorrhagic Telangiectasia; Telangiectasia, hereditary hemorrhagic, type II. Identifiers: Orphanet 774, MedGen C1838163, MONDO:0010880, OMIM 600376. Disease mechanism: loss of function.

Submission:

Labcorp Genetics (formerly Invitae), Labcorp
Classification: Uncertain significance for Telangiectasia, hereditary hemorrhagic, type 2. Last evaluated: 2017-04-25. Review status: criteria provided, single submitter. Criteria: Invitae Variant Classification Sherloc (09022015). Collection method: clinical testing. Allele origin: germline.
Comment: In summary, this variant is a novel missense change with uncertain impact on protein function. It has been classified as a Variant of Uncertain Significance. Algorithms developed to predict the effect of missense changes on protein structure and function (SIFT, PolyPhen-2, Align-GVGD) all suggest that this variant is likely to be disruptive, but these predictions have not been confirmed by published functional studies. This variant is not present in population databases (ExAC no frequency) and has not been reported in the literature in individuals with a ACVRL1-related disease. This sequence change replaces cysteine with tyrosine at codon 471 of the ACVRL1 protein (p.Cys471Tyr). The cysteine residue is highly conserved and there is a large physicochemical difference between cysteine and tyrosine.

NM_000020.3(ACVRL1):c.1412G>A (p.Cys471Tyr)

Gene: ACVRL1 (activin A receptor like type 1; plus strand). Cytogenetic location: 12q13.13.
Variant type: single nucleotide variant.
Coding change: c.1412G>A on transcript NM_000020.3 (MANE Select); coding-DNA position 1412, G replaced by A.
Protein change: p.Cys471Tyr; replaces cysteine 471 with tyrosine.
Molecular consequence: missense variant.
Genome position (GRCh38, 1-based): chr12:51,920,793, G>A. VCF-style: chr12-51920793-G-A. GRCh37 (hg19) VCF-style: chr12-52314577-G-A.
Other names: c.1412G>A, p.Cys471Tyr (NM_001077401.2); short protein forms C471Y.
Identifiers: ClinVar variation 464758 (VCV000464758.8), dbSNP rs1555154137, ClinGen allele CA384905485.